The following is an entry in ClinVar:

ClinVar aggregate classification (germline): Uncertain significance (1 of 4 stars; one submission).

Conditions:
Brachyolmia-amelogenesis imperfecta syndrome. Also called: Tooth agenesis, selective, 6; Dental anomalies and short stature; PLATYSPONDYLY WITH AMELOGENESIS IMPERFECTA. Identifiers: Orphanet 2899, MedGen C1832594, MONDO:0011018, OMIM 601216. Disease mechanism: loss of function.

gnomAD v4.1: 4 of 1,611,720 alleles (0.00025%); highest among the groups gnomAD compares: African/African-American, 0.004%; no homozygotes.

Submission:

Labcorp Genetics (formerly Invitae), Labcorp
Classification: Uncertain significance for Brachyolmia-amelogenesis imperfecta syndrome. Last evaluated: 2024-09-15. Review status: criteria provided, single submitter. Criteria: Invitae Variant Classification Sherloc (09022015). Collection method: clinical testing. Allele origin: germline.
Comment: This sequence change replaces valine, which is neutral and non-polar, with alanine, which is neutral and non-polar, at codon 179 of the LTBP3 protein (p.Val179Ala). This variant is present in population databases (no rsID available, gnomAD 0.01%). This variant has not been reported in the literature in individuals affected with LTBP3-related conditions. An algorithm developed to predict the effect of missense changes on protein structure and function outputs the following: PolyPhen-2: "Benign". The alanine amino acid residue is found in multiple mammalian species, which suggests that this missense change does not adversely affect protein function. In summary, the available evidence is currently insufficient to determine the role of this variant in disease. Therefore, it has been classified as a Variant of Uncertain Significance.

NM_001130144.3(LTBP3):c.536T>C (p.Val179Ala)

Gene: LTBP3 (latent transforming growth factor beta binding protein 3; minus strand). Cytogenetic location: 11q13.1.
Variant type: single nucleotide variant.
Coding change: c.536T>C on transcript NM_001130144.3 (MANE Select); coding-DNA position 536, T replaced by C.
Protein change: p.Val179Ala; replaces valine 179 with alanine.
Molecular consequence: missense variant.
Genome position (GRCh38, 1-based): chr11:65,554,176, A>G on the plus strand (T>C on the coding strand, the complement: LTBP3 is on the minus strand). VCF-style: chr11-65554176-A-G. GRCh37 (hg19) VCF-style: chr11-65321647-A-G.
Other names: c.185T>C, p.Val62Ala (NM_001164266.1); c.536T>C, p.Val179Ala (NM_021070.4); short protein forms V62A, V179A.
Identifiers: ClinVar variation 3718387 (VCV003718387.2).